The following is an entry in ClinVar:

ClinVar aggregate classification (germline): Benign. Review status: reviewed by expert panel (3 of 4 stars). 18 submissions from 18 submitters: Benign (1). 17 of the submissions do not count toward it. Last evaluated 2017-06-29.

Conditions:
Breast and/or ovarian cancer. Identifiers: MedGen CN221562.
Hereditary cancer-predisposing syndrome. Also called: Hereditary Cancer Syndrome; Tumor predisposition; Neoplastic Syndromes, Hereditary; Hereditary neoplastic syndrome. Identifiers: Orphanet 140162, MedGen C0027672, MeSH D009386, MONDO:0015356.
Hereditary breast ovarian cancer syndrome. Also called: Breast and ovarian cancer; BRCA1- and BRCA2-Associated Hereditary Breast and Ovarian Cancer; Hereditary breast and ovarian cancer; Hereditary breast and ovarian cancer syndrome (HBOC); Hereditary breast and ovarian cancer syndrome; Hereditary breast and/or ovarian cancer syndrome. Identifiers: Orphanet 145, MedGen C0677776, MeSH D061325, MONDO:0003582. Disease mechanism: loss of function.
Breast-ovarian cancer, familial, susceptibility to, 2 (BROVCA2). Also called: BRCA2 Hereditary Breast and Ovarian Cancer. Identifiers: Orphanet 145, MedGen C2675520, MONDO:0012933, OMIM 612555. Disease mechanism: loss of function.
Malignant tumor of breast. Also called: Malignant breast neoplasm; Cancer breast. Identifiers: MedGen C0006142, MONDO:0007254. Disease mechanism: loss of function.

Allele frequency attached by ClinVar (database versions not stated): gnomAD 0.00008 and 0.00012; TOPMed 0.00022; ExAC 0.00025; gnomAD exomes 0.00033; 1000 Genomes Project 30x 0.00109; 1000 Genomes Project 0.00140.

Submissions (18):

Evidence-based Network for the Interpretation of Germline Mutant Alleles (ENIGMA)
Classification: Benign for Breast-ovarian cancer, familial, susceptibility to, 2. Last evaluated: 2017-06-29. Review status: reviewed by expert panel. Criteria: ENIGMA BRCA1/2 Classification Criteria (2017-06-29). Collection method: curation. Allele origin: germline.
Comment: Synonymous substitution variant, with low bioinformatic likelihood to alter mRNA splicing (splicing prior 0.02) and frequency 0.0036 (East Asian), derived from ExAC (2014-12-17).

Labcorp Genetics (formerly Invitae), Labcorp
Classification: Benign for Hereditary breast ovarian cancer syndrome. Last evaluated: 2026-02-03. Review status: criteria provided, single submitter. Criteria: Invitae Variant Classification Sherloc (09022015). Collection method: clinical testing. Allele origin: germline. Not counted in ClinVar's aggregate classification.

CeGaT Center for Human Genetics Tuebingen
Classification: Likely benign. Last evaluated: 2025-03-01. Review status: criteria provided, single submitter. Criteria: CeGaT Center For Human Genetics Tuebingen Variant Classification Criteria Version 2. Collection method: clinical testing. Allele origin: germline. Affected: yes. Observed: 5 variant alleles. Not counted in ClinVar's aggregate classification.
Comment: BRCA2: BP4, BP7

ARUP Laboratories, Molecular Genetics and Genomics, ARUP Laboratories
Classification: Benign. Last evaluated: 2024-10-18. Review status: criteria provided, single submitter. Criteria: ARUP Molecular Germline Variant Investigation Process 2024. Collection method: clinical testing. Allele origin: germline. Not counted in ClinVar's aggregate classification.

Blueprint Genetics
Classification: Likely benign. Last evaluated: 2024-06-12. Review status: criteria provided, single submitter. Criteria: ACMG Guidelines, 2015. Collection method: clinical testing. Allele origin: germline. Not counted in ClinVar's aggregate classification.

All of Us Research Program, National Institutes of Health
Classification: Benign for Breast-ovarian cancer, familial, susceptibility to, 2. Last evaluated: 2023-12-18. Review status: criteria provided, single submitter. Criteria: ACMG Guidelines, 2015. Collection method: clinical testing. Allele origin: germline. Inheritance: Autosomal dominant inheritance. Observed: 12 variant alleles, 12 heterozygotes. Not counted in ClinVar's aggregate classification.
Comment: This study involves interpretation of variants in research participants for the purpose of population health screening. Participant phenotype was not available at the time of variant classification. Additional details can be found in publication PMID: 35346344, PMCID: PMC8962531

Genetic Services Laboratory, University of Chicago
Classification: Benign. Last evaluated: 2021-08-27. Review status: criteria provided, single submitter. Criteria: ACMG Guidelines, 2015. Collection method: clinical testing. Allele origin: germline. Affected: no. Not counted in ClinVar's aggregate classification.

CHEO Genetics Diagnostic Laboratory, Children's Hospital of Eastern Ontario
Classification: Benign for Breast and/or ovarian cancer. Last evaluated: 2017-07-05. Review status: criteria provided, single submitter. Criteria: ACMG Guidelines, 2015. Collection method: clinical testing. Allele origin: germline. Study: Canadian Open Genetics Repository. Not counted in ClinVar's aggregate classification.

Color Diagnostics, LLC DBA Color Health
Classification: Benign for Hereditary cancer-predisposing syndrome. Last evaluated: 2016-05-29. Review status: criteria provided, single submitter. Criteria: ACMG Guidelines, 2015. Collection method: clinical testing. Allele origin: germline. Not counted in ClinVar's aggregate classification.

Molecular Genetics Laboratory, University of Michigan
Classification: Benign for Breast-ovarian cancer, familial, susceptibility to, 2. Last evaluated: 2016-04-21. Review status: criteria provided, single submitter. Criteria: ACMG Guidelines, 2015. Collection method: clinical testing. Allele origin: germline. Affected: yes. Not counted in ClinVar's aggregate classification.

Fulgent Genetics
Classification: Likely benign for Breast-ovarian cancer, familial, susceptibility to, 2. Last evaluated: 2015-12-08. Review status: criteria provided, single submitter. Criteria: ACMG Guidelines, 2015. Collection method: clinical testing. Allele origin: unknown. Not counted in ClinVar's aggregate classification.

Ambry Genetics
Classification: Likely benign for Hereditary cancer-predisposing syndrome. Last evaluated: 2014-08-05. Review status: criteria provided, single submitter. Criteria: Ambry Variant Classification Scheme 2023. Collection method: clinical testing. Allele origin: germline. Not counted in ClinVar's aggregate classification.

GeneDx
Classification: Benign. Last evaluated: 2014-03-14. Review status: criteria provided, single submitter. Criteria: GeneDx Variant Classification (06012015). Collection method: clinical testing. Allele origin: germline. Affected: yes. Not counted in ClinVar's aggregate classification.
Comment: This variant is considered likely benign or benign based on one or more of the following criteria: it is a conservative change, it occurs at a poorly conserved position in the protein, it is predicted to be benign by multiple in silico algorithms, and/or has population frequency not consistent with disease.

Counsyl
Classification: Likely benign for Breast-ovarian cancer, familial 2. Last evaluated: 2014-04-04. Review status: no assertion criteria provided. Collection method: literature only. Allele origin: unknown. Inheritance: Autosomal dominant inheritance. Not counted in ClinVar's aggregate classification.

Breast Cancer Information Core (BIC) (BRCA2)
Classification: Benign for Breast-ovarian cancer, familial 2. Last evaluated: 2010-09-18. Review status: no assertion criteria provided. Collection method: clinical testing. Allele origin: germline. Affected: yes. Observed: 1 variant allele. Not counted in ClinVar's aggregate classification.

Clinical Genetics DNA and cytogenetics Diagnostics Lab, Erasmus MC, Erasmus Medical Center
Classification: Likely benign. Review status: no assertion criteria provided. Collection method: clinical testing. Allele origin: germline. Affected: yes. Study: VKGL Data-share Consensus. Not counted in ClinVar's aggregate classification.

Clinical Genetics Laboratory, Department of Pathology, Netherlands Cancer Institute
Classification: Benign. Review status: no assertion criteria provided. Collection method: clinical testing. Allele origin: germline. Affected: yes. Study: VKGL Data-share Consensus. Not counted in ClinVar's aggregate classification.

Department of Pathology and Laboratory Medicine, Sinai Health System
Classification: Likely benign for Malignant tumor of breast. Review status: no assertion criteria provided. Collection method: clinical testing. Allele origin: unknown. Affected: yes. Study: The Canadian Open Genetics Repository (COGR). Not counted in ClinVar's aggregate classification.
Comment: The BRCA2 p.Ser1140= variant was identified in 7 of 8452 proband chromosomes (frequency: 0.0008) from individuals or families with hereditary breast and ovarian cancer, and is classified as a benign polymorphism (Borg 2010, Dong_2015, Hu 2003, Kawahara 2004, Kim 2006, Suter 2004, Thirthagiri 2008). The variant was also identified in dbSNP (ID: rs118093942) as â€šÃ„ÃºWith other alleleâ€šÃ„Ã¹, ClinVar (as benign, reviewed by expert panel), Clinvitae (5x), COGR (as likely benign), LOVD 3.0 (4x), and UMD-LSDB (2x as "uncertain significance"). The variant was not identified in Cosmic, MutDB, BIC Database, ARUP Laboratories, or Zhejiang Colon Cancer Database. The variant was identified in control databases in 76 of 276744 chromosomes at a frequency of 0.0003 increasing the likelihood this could be a low frequency benign variant (Genome Aggregation Database Feb 27, 2017). Breakdown of the observations by population include East Asian in 76 of 18862 chromosomes (freq: 0.004), while the variant was not observed in the African, Other, Latino, European (Non-Finnish), Ashkenazi Jewish, Finnish, and South Asian populations. The p.Ser1140= variant is not expected to have clinical significance because it does not result in a change of amino acid and is not located in a known consensus splice site. In addition, in silico or computational prediction software programs (SpliceSiteFinder, MaxEntScan, NNSPLICE, GeneSplicer, HumanSpliceFinder) do not predict a difference in splicing. In summary, based on the above information the clinical significance of this variant cannot be determined with certainty at this time although we would lean towards a more benign role for this variant. This variant is classified as likely benign.

Literature cited by the submitters: PubMed 17100994 (cited by Counsyl); PubMed 20104584 (cited by Counsyl); PubMed 16949048 (cited by Counsyl); PubMed 14973102 (cited by Counsyl); PubMed 18627636 (cited by Counsyl).

NM_000059.4(BRCA2):c.3420T>C (p.Ser1140=)

Gene: BRCA2 (BRCA2 DNA repair associated; plus strand). Cytogenetic location: 13q13.1.
Variant type: single nucleotide variant.
Coding change: c.3420T>C on transcript NM_000059.4 (MANE Select); coding-DNA position 3420, T replaced by C.
Protein change: p.Ser1140=; no amino-acid change (serine 1140 retained).
Molecular consequence: synonymous variant.
Genome position (GRCh38, 1-based): chr13:32,337,775, T>C. VCF-style: chr13-32337775-T-C. GRCh37 (hg19) VCF-style: chr13-32911912-T-C.
Other names: S1140S; p.S1140S:AGT>AGC.
Identifiers: ClinVar variation 51461 (VCV000051461.70), dbSNP rs118093942, ClinGen allele CA017989.